The following is an entry in ClinVar:

NC_012920.1(MT-ATP6):m.8938A>G

Gene: MT-ATP6 (mitochondrially encoded ATP synthase 6; plus strand).
Variant type: single nucleotide variant.
Genome position: chrM-8938-A-G.
Identifiers: ClinVar variation 693029 (VCV000693029.1), dbSNP rs1603221923, ClinGen allele CA414799055.

ClinVar aggregate classification (germline): Benign (1 of 4 stars; one submission).

Conditions:
Leigh syndrome (NULS). Also called: Leigh's necrotizing encephalopathy; Leigh's disease; Leigh Syndrome (mtDNA deletion); Leigh Disease; Subacute necrotizing encephalopathy; Necrotizing encephalopathy infantile subacute of Leigh. Identifiers: Orphanet 506, MedGen C2931891, MONDO:0009723, OMIM 256000.

Submission:

Wong Mito Lab, Molecular and Human Genetics, Baylor College of Medicine
Classification: Benign for Leigh syndrome. Last evaluated: 2019-10-17. Review status: criteria provided, single submitter. Criteria: Modified ACMG Guidelines (Unpublished). Collection method: clinical testing. Allele origin: germline.
Comment: The NC_012920.1:m.8938A>G (YP_003024031.1:p.Ile138Val) variant in MTATP6 gene is interpretated to be a Benign variant based on the modified ACMG guidelines (unpublished). This variant meets the following evidence codes: BS1, BS4